The following is an entry in ClinVar:

NM_005334.3(HCFC1):c.742A>T (p.Ser248Cys)

Gene: HCFC1 (host cell factor C1; minus strand). Cytogenetic location: Xq28.
Variant type: single nucleotide variant.
Coding change: c.742A>T on transcript NM_005334.3 (MANE Select); coding-DNA position 742, A replaced by T.
Protein change: p.Ser248Cys; replaces serine 248 with cysteine.
Molecular consequence: missense variant.
Genome position (GRCh38, 1-based): chrX:153,962,277, T>A on the plus strand (A>T on the coding strand, the complement: HCFC1 is on the minus strand). VCF-style: chrX-153962277-T-A. GRCh37 (hg19) VCF-style: chrX-153227728-T-A.
Other names: short protein forms S248C.
Identifiers: ClinVar variation 1304948 (VCV001304948.2), dbSNP rs782405518, ClinGen allele CA415146334.

ClinVar aggregate classification (germline): Uncertain significance (1 of 4 stars; one submission).

Submission:

GeneDx
Classification: Uncertain significance. Last evaluated: 2019-04-18. Review status: criteria provided, single submitter. Criteria: GeneDx Variant Classification Process June 2021. Collection method: clinical testing. Allele origin: germline. Affected: yes.
Comment: Not observed in large population cohorts (Lek et al., 2016); Has not been previously published as pathogenic or benign to our knowledge